The following is an entry in ClinVar:

NM_021116.4(ADCY1):c.2608A>G (p.Met870Val)

Gene: ADCY1 (adenylate cyclase 1; plus strand). Cytogenetic location: 7p12.3.
Variant type: single nucleotide variant.
Coding change: c.2608A>G on transcript NM_021116.4 (MANE Select); coding-DNA position 2608, A replaced by G.
Protein change: p.Met870Val; replaces methionine 870 with valine.
Molecular consequence: missense variant.
Genome position (GRCh38, 1-based): chr7:45,703,636, A>G. VCF-style: chr7-45703636-A-G. GRCh37 (hg19) VCF-style: chr7-45743235-A-G.
Other names: short protein forms M870V.
Identifiers: ClinVar variation 4744669 (VCV004744669.1).

ClinVar aggregate classification (germline): Uncertain significance (1 of 4 stars; one submission).

Submission:

Labcorp Genetics (formerly Invitae), Labcorp
Classification: Uncertain significance. Last evaluated: 2025-08-18. Review status: criteria provided, single submitter. Criteria: Invitae Variant Classification Sherloc (09022015). Collection method: clinical testing. Allele origin: germline.
Comment: This sequence change replaces methionine, which is neutral and non-polar, with valine, which is neutral and non-polar, at codon 870 of the ADCY1 protein (p.Met870Val). This variant is not present in population databases (gnomAD no frequency). This variant has not been reported in the literature in individuals affected with ADCY1-related conditions. Invitae Evidence Modeling of protein sequence and biophysical properties (such as structural, functional, and spatial information, amino acid conservation, physicochemical variation, residue mobility, and thermodynamic stability) indicates that this missense variant is not expected to disrupt ADCY1 protein function with a negative predictive value of 80%. In summary, the available evidence is currently insufficient to determine the role of this variant in disease. Therefore, it has been classified as a Variant of Uncertain Significance.